The following is an entry in ClinVar:

ClinVar aggregate classification (germline): Uncertain significance (1 of 4 stars; one submission).

Allele frequency attached by ClinVar (database versions not stated): gnomAD exomes below 0.00001; TOPMed below 0.00001; gnomAD 0.00001.
gnomAD v4.1: 2 of 1,613,854 alleles (0.00012%); highest among the groups gnomAD compares: Non-Finnish European, 0.00017%; no homozygotes.

Submission:

Ambry Genetics
Classification: Uncertain significance. Last evaluated: 2023-11-01. Review status: criteria provided, single submitter. Criteria: Ambry Variant Classification Scheme 2023. Collection method: clinical testing. Allele origin: germline.
Comment: The p.I271T variant (also known as c.812T>C), located in coding exon 6 of the RECQL gene, results from a T to C substitution at nucleotide position 812. The isoleucine at codon 271 is replaced by threonine, an amino acid with similar properties. This amino acid position is conserved. In addition, this alteration is predicted to be tolerated by in silico analysis. Since supporting evidence is limited at this time, the clinical significance of this alteration remains unclear.

NM_002907.4(RECQL):c.812T>C (p.Ile271Thr)

Gene: RECQL (RecQ like helicase; minus strand). Cytogenetic location: 12p12.1.
Variant type: single nucleotide variant.
Coding change: c.812T>C on transcript NM_002907.4 (MANE Select); coding-DNA position 812, T replaced by C.
Protein change: p.Ile271Thr; replaces isoleucine 271 with threonine.
Molecular consequence: missense variant.
Genome position (GRCh38, 1-based): chr12:21,477,858, A>G on the plus strand (T>C on the coding strand, the complement: RECQL is on the minus strand). VCF-style: chr12-21477858-A-G. GRCh37 (hg19) VCF-style: chr12-21630792-A-G.
Other names: c.812T>C, p.Ile271Thr (NM_032941.3); short protein forms I271T.
Identifiers: ClinVar variation 1762130 (VCV001762130.2), dbSNP rs1207050441, ClinGen allele CA384124359.
Genomic context (GRCh38, chr12:21,477,858, plus strand): 5'-CATACCTCATAATATAGATTTGGCCTATTAAAAGAAGCTGTAAAAGTAAAACACTTTTCA[A>G]TGCACAAAATTTTCTGAGCATCCGTCAAAACGTGATTTGTTGCAGTTGCAGTCAGCCCAA-3'
Protein context (NP_002898.2, residues 261-281): VLTDAQKILC[Ile271Thr]EKCFTFTASF